The following is an entry in ClinVar:

NM_007315.4(STAT1):c.1231_1232del (p.Glu411fs)

Gene: STAT1 (signal transducer and activator of transcription 1; minus strand). Cytogenetic location: 2q32.2.
Variant type: Deletion.
Coding change: c.1231_1232del on transcript NM_007315.4 (MANE Select); coding-DNA positions 1231 to 1232, 2 bases deleted (GA; older notation c.1231_1232delGA).
Protein change: p.Glu411fs; shifts the reading frame from glutamic acid 411.
Molecular consequence: frameshift variant.
Genome position (GRCh38, 1-based): chr2:190,985,650-190,985,651, TC deleted on the plus strand (GA on the coding strand, the reverse complement: STAT1 is on the minus strand); deleting any 2 consecutive bases within chr2:190,985,650-190,985,652 gives the same sequence; the c. name uses the placement nearest the transcript's 3' end. VCF-style (leftmost placement, unchanged base first): chr2-190985649-TTC-T. GRCh37 (hg19) VCF-style: chr2-191850375-TTC-T.
Other names: c.1231_1232del, p.Glu411fs (NM_001384889.1, NM_139266.3, NM_001384886.1); c.1141_1142del, p.Glu381fs (NM_001384890.1); c.1267_1268del, p.Glu423fs (NM_001384891.1); c.1171_1172del, p.Glu391fs (NM_001384880.1); c.1237_1238del, p.Glu413fs (NM_001384881.1, NM_001384884.1); c.1225_1226del, p.Glu409fs (NM_001384882.1); c.1132_1133del, p.Glu378fs (NM_001384883.1); c.1072_1073del, p.Glu358fs (NM_001384885.1); and 2 more; short protein forms E409fs, E381fs, E423fs, E380fs, E401fs, E413fs, E358fs, E378fs.
Identifiers: ClinVar variation 1403340 (VCV001403340.6), dbSNP rs2125029430, ClinGen allele CA2573134267.

ClinVar aggregate classification (germline): Pathogenic (1 of 4 stars; one submission).

Conditions:
Mendelian susceptibility to mycobacterial diseases due to partial STAT1 deficiency. Also called: IMMUNODEFICIENCY 31A, MYCOBACTERIOSIS, AUTOSOMAL DOMINANT; STAT1 DEFICIENCY, AUTOSOMAL DOMINANT; Immunodeficiency 31a. Identifiers: Orphanet 319595, MedGen C4013950, MONDO:0013956, OMIM 614892.
Immunodeficiency 31B. Also called: STAT1 DEFICIENCY, AUTOSOMAL RECESSIVE; IMMUNODEFICIENCY 31B, MYCOBACTERIAL AND VIRAL INFECTIONS, AUTOSOMAL RECESSIVE. Identifiers: Orphanet 391311, MedGen C3151088, MONDO:0013427, OMIM 613796.
Autoimmune enteropathy and endocrinopathy - susceptibility to chronic infections syndrome. Also called: Immunodeficiency 31C, autosomal dominant; Immunodeficiency 31C. Identifiers: Orphanet 391487, MedGen C3279990, MONDO:0013599, OMIM 614162.

Submission:

Labcorp Genetics (formerly Invitae), Labcorp
Classification: Pathogenic for Mendelian susceptibility to mycobacterial diseases due to partial STAT1 deficiency; Immunodeficiency 31B; Autoimmune enteropathy and endocrinopathy - susceptibility to chronic infections syndrome. Last evaluated: 2022-08-09. Review status: criteria provided, single submitter. Criteria: Invitae Variant Classification Sherloc (09022015). Collection method: clinical testing. Allele origin: germline.
Comment: For these reasons, this variant has been classified as Pathogenic. ClinVar contains an entry for this variant (Variation ID: 1403340). This variant has not been reported in the literature in individuals affected with STAT1-related conditions. This variant is not present in population databases (gnomAD no frequency). This sequence change creates a premature translational stop signal (p.Glu411Thrfs*10) in the STAT1 gene. It is expected to result in an absent or disrupted protein product. Loss-of-function variants in STAT1 are known to be pathogenic (PMID: 22651901).

Literature cited by the submitters: PubMed 22651901.